The following is an entry in ClinVar:

NM_001371904.1(APOA5):c.367G>A (p.Glu123Lys)

Gene: APOA5 (apolipoprotein A5; minus strand). Cytogenetic location: 11q23.3.
Variant type: single nucleotide variant.
Coding change: c.367G>A on transcript NM_001371904.1 (MANE Select); coding-DNA position 367, G replaced by A.
Protein change: p.Glu123Lys; replaces glutamic acid 123 with lysine.
Molecular consequence: missense variant.
Genome position (GRCh38, 1-based): chr11:116,790,862, C>T on the plus strand (G>A on the coding strand, the complement: APOA5 is on the minus strand). VCF-style: chr11-116790862-C-T. GRCh37 (hg19) VCF-style: chr11-116661578-C-T.
Other names: c.367G>A, p.Glu123Lys (NM_001166598.2, NM_052968.5); short protein forms E123K.
Identifiers: ClinVar variation 4613621 (VCV004613621.1).
Genomic context (GRCh38, chr11:116,790,862, plus strand): 5'-GCAGGGCCACCTGCTCCATCAGATCCATCGTGTAGGGCTTCAGTTGCTGCCGCAAGCCCT[C>T]CAAATTCCAGCCCACCAGCTCGTGCGCCTCTGCCATGTAGGGCTGGAGGCGAGCCTTCAC-3'
Protein context (NP_001358833.1, residues 113-133): EAHELVGWNL[Glu123Lys]GLRQQLKPYT

ClinVar aggregate classification (germline): Uncertain significance (1 of 4 stars; one submission).

Conditions:
Cardiovascular phenotype. Identifiers: MedGen CN230736.

Submission:

Ambry Genetics
Classification: Uncertain significance for Cardiovascular phenotype. Last evaluated: 2025-11-15. Review status: criteria provided, single submitter. Criteria: Ambry Variant Classification Scheme 2023. Collection method: clinical testing. Allele origin: germline.
Comment: The p.E123K variant (also known as c.367G>A), located in coding exon 3 of the APOA5 gene, results from a G to A substitution at nucleotide position 367. The glutamic acid at codon 123 is replaced by lysine, an amino acid with similar properties. This amino acid position is conserved. In addition, the in silico prediction for this alteration is inconclusive. Based on the available evidence, the clinical significance of this variant remains unclear.